The following is an entry in ClinVar:

ClinVar aggregate classification (germline): Uncertain significance (1 of 4 stars; one submission).

Conditions:
Breast-ovarian cancer, familial, susceptibility to, 1 (BROVCA1). Also called: BRCA1 Hereditary Breast and Ovarian Cancer; OVARIAN CANCER, SUSCEPTIBILITY TO. Identifiers: Orphanet 145, MedGen C2676676, MONDO:0011450, OMIM 604370. Disease mechanism: loss of function.

Submissions (2):

Baylor Genetics
Classification: Uncertain significance for Breast-ovarian cancer, familial, susceptibility to, 1. Last evaluated: 2023-06-07. Review status: criteria provided, single submitter. Criteria: ACMG Guidelines, 2015. Collection method: clinical testing. Allele origin: unknown.

Brotman Baty Institute, University of Washington
No classification provided (evidence only). Condition: Breast-ovarian cancer, familial 1. Review status: no classification provided. Collection method: in vitro. Allele origin: not applicable. Functional consequence: functionally_normal. Not counted in ClinVar's aggregate classification.
ClinVar note: "not provided" was previously submitted as the classification for the variant. However, the classification appeared to be based only on an observation of functional data so it was converted to no classification on 2025-07-30.

NM_007294.4(BRCA1):c.151C>T (p.Leu51Phe)

Gene: BRCA1 (BRCA1 DNA repair associated; minus strand). Cytogenetic location: 17q21.31.
Variant type: single nucleotide variant.
Coding change: c.151C>T on transcript NM_007294.4 (MANE Select); coding-DNA position 151, C replaced by T.
Protein change: p.Leu51Phe; replaces leucine 51 with phenylalanine.
Molecular consequence: missense variant. On other transcripts: non-coding transcript variant (1).
Genome position (GRCh38, 1-based): chr17:43,106,517, G>A on the plus strand (C>T on the coding strand, the complement: BRCA1 is on the minus strand). VCF-style: chr17-43106517-G-A. GRCh37 (hg19) VCF-style: chr17-41258534-G-A.
Other names: c.-38C>T (NM_001407571.1, NM_001407853.1, NM_001407879.1 and 58 more transcripts); c.151C>T, p.Leu51Phe (NM_001407581.1, NM_001407582.1, NM_001407583.1 and 168 more transcripts); c.10C>T, p.Leu4Phe (NM_001407692.1, NM_001407694.1, NM_001407695.1 and 99 more transcripts); short protein forms L4F, L51F.
Identifiers: ClinVar variation 865203 (VCV000865203.4), dbSNP rs2054790774, ClinGen allele CA10601852.